The following is an entry in ClinVar:

NM_001164508.2(NEB):c.6077A>G (p.Lys2026Arg)

Gene: NEB (nebulin; minus strand). Cytogenetic location: 2q23.3.
Variant type: single nucleotide variant.
Coding change: c.6077A>G on transcript NM_001164508.2 (MANE Select); coding-DNA position 6077, A replaced by G.
Protein change: p.Lys2026Arg; replaces lysine 2026 with arginine.
Molecular consequence: missense variant.
Genome position (GRCh38, 1-based): chr2:151,658,089, T>C on the plus strand (A>G on the coding strand, the complement: NEB is on the minus strand). VCF-style: chr2-151658089-T-C. GRCh37 (hg19) VCF-style: chr2-152514603-T-C.
Other names: c.6077A>G, p.Lys2026Arg (NM_001164507.2, NM_001271208.2, NM_004543.5); short protein forms K2026R.
Identifiers: ClinVar variation 2141803 (VCV002141803.2), dbSNP rs2099105851, ClinGen allele CA348802557.
Genomic context (GRCh38, chr2:151,658,089, plus strand): 5'-GCATCAGGTCTGAGATCATAGCCTTTCTTTTTAGACTCTTCCAAGGAAAGTTTGTAGAGT[T>C]TCTGTAAAGAGAGGCAAAGGGAAGAGTTTTCTTCTAAATATGAAAGCCTGGATTTATTTT-3'
Protein context (NP_001157980.2, residues 2016-2036): AKANAINMSD[Lys2026Arg]LYKLSLEESK

ClinVar aggregate classification (germline): Uncertain significance. Review status: criteria provided, multiple submitters, no conflicts (2 of 4 stars). 2 submissions from 2 submitters: Uncertain significance (2). Last evaluated 2024-07-21.

Conditions:
Nemaline myopathy 2 (NEM2). Also called: Nemaline myopathy 2, autosomal recessive. Identifiers: MedGen C1850569, MONDO:0009725, OMIM 256030.

Allele frequency attached by ClinVar (database versions not stated): TOPMed below 0.00001.
gnomAD v4.1: 2 of 1,582,302 alleles (0.00013%); no homozygotes.

Submissions (2):

GeneDx
Classification: Uncertain significance. Last evaluated: 2024-07-21. Review status: criteria provided, single submitter. Criteria: GeneDx Variant Classification Process June 2021. Collection method: clinical testing. Allele origin: germline. Affected: yes.
Comment: Not observed at significant frequency in large population cohorts (gnomAD); In silico analysis indicates that this missense variant does not alter protein structure/function; Has not been previously published as pathogenic or benign to our knowledge

Labcorp Genetics (formerly Invitae), Labcorp
Classification: Uncertain significance for Nemaline myopathy 2. Last evaluated: 2022-07-19. Review status: criteria provided, single submitter. Criteria: Invitae Variant Classification Sherloc (09022015). Collection method: clinical testing. Allele origin: germline.
Comment: This sequence change replaces lysine, which is basic and polar, with arginine, which is basic and polar, at codon 2026 of the NEB protein (p.Lys2026Arg). This variant is not present in population databases (gnomAD no frequency). This variant has not been reported in the literature in individuals affected with NEB-related conditions. Algorithms developed to predict the effect of missense changes on protein structure and function are either unavailable or do not agree on the potential impact of this missense change (SIFT: "Deleterious"; PolyPhen-2: "Not Available"; Align-GVGD: "Class C0"). In summary, the available evidence is currently insufficient to determine the role of this variant in disease. Therefore, it has been classified as a Variant of Uncertain Significance.